The following is an entry in ClinVar:

ClinVar aggregate classification (germline): Conflicting classifications of pathogenicity. Review status: criteria provided, conflicting classifications (1 of 4 stars). 7 submissions from 7 submitters: Uncertain significance (2); Benign (1); Likely benign (3). 1 of the submissions does not count toward it. Last evaluated 2026-03-01.

Conditions:
ERBB3-related disorder. Also called: ERBB3-related condition.
Erythroleukemia, familial, susceptibility to. Also called: Acute erythroleukemia, familial; DI GUGLIELMO DISEASE, FAMILIAL. Identifiers: Orphanet 318, MedGen C5552985, MONDO:0007573, OMIM 133180.
Lethal congenital contracture syndrome 2 (LCCS2). Also called: Lethal congenital contractural syndrome 2; MULTIPLE CONTRACTURE SYNDROME, ISRAELI BEDOUIN TYPE A. Identifiers: Orphanet 137776, MedGen C1843478, MONDO:0011868, OMIM 607598.
Visceral neuropathy, familial, 1, autosomal recessive (VSCN1). Identifiers: Orphanet 99811, MedGen C1855733, MONDO:8000011, OMIM 243180.

Allele frequency attached by ClinVar (database versions not stated): 1000 Genomes Project 30x 0.00078; 1000 Genomes Project 0.00100; ESP Exome Variant Server 0.00146; TOPMed 0.00170; gnomAD exomes 0.00171 and 0.00227; ExAC 0.00206; gnomAD 0.00233 and 0.00237.
gnomAD v4.1: 2,873 of 1,614,048 alleles (0.18%); highest among the groups gnomAD compares: Middle Eastern, 0.56%; 8 homozygotes.

Submissions (7):

CeGaT Center for Human Genetics Tuebingen
Classification: Likely benign. Last evaluated: 2026-03-01. Review status: criteria provided, single submitter. Criteria: CeGaT Center For Human Genetics Tuebingen Variant Classification Criteria Version 2. Collection method: clinical testing. Allele origin: germline. Affected: yes. Observed: 5 variant alleles.
Comment: ERBB3: BS2

Labcorp Genetics (formerly Invitae), Labcorp
Classification: Benign. Last evaluated: 2026-01-09. Review status: criteria provided, single submitter. Criteria: Invitae Variant Classification Sherloc (09022015). Collection method: clinical testing. Allele origin: germline.

Blueprint Genetics
Classification: Likely benign. Last evaluated: 2024-11-25. Review status: criteria provided, single submitter. Criteria: ACMG Guidelines, 2015. Collection method: clinical testing. Allele origin: germline.

Department of Pathology and Laboratory Medicine, Sinai Health System
Classification: Uncertain significance for Erythroleukemia, familial, susceptibility to; Visceral neuropathy, familial, 1, autosomal recessive; Lethal congenital contracture syndrome 2. Last evaluated: 2021-12-13. Review status: criteria provided, single submitter. Criteria: ACMG Guidelines, 2015. Collection method: research. Allele origin: germline.

Mayo Clinic Laboratories, Mayo Clinic
Classification: Likely benign. Last evaluated: 2021-08-02. Review status: criteria provided, single submitter. Criteria: ACMG Guidelines, 2015. Collection method: clinical testing. Allele origin: germline. Observed: 2 variant alleles.

Breakthrough Genomics
Classification: Uncertain significance. Review status: criteria provided, single submitter. Criteria: ACMG Guidelines, 2015. Collection method: not provided. Allele origin: germline. Inheritance: Autosomal recessive inheritance. Affected: yes.

PreventionGenetics, part of Exact Sciences
Classification: Benign for ERBB3-related condition. Last evaluated: 2019-08-29. Review status: no assertion criteria provided. Collection method: clinical testing. Allele origin: germline. Not counted in ClinVar's aggregate classification.
Comment: This variant is classified as benign based on ACMG/AMP sequence variant interpretation guidelines (Richards et al. 2015 PMID: 25741868, with internal and published modifications).

NM_001982.4(ERBB3):c.89C>T (p.Pro30Leu)

Gene: ERBB3 (erb-b2 receptor tyrosine kinase 3; plus strand). Cytogenetic location: 12q13.2.
Variant type: single nucleotide variant.
Coding change: c.89C>T on transcript NM_001982.4 (MANE Select); coding-DNA position 89, C replaced by T.
Protein change: p.Pro30Leu; replaces proline 30 with leucine.
Molecular consequence: missense variant.
Genome position (GRCh38, 1-based): chr12:56,083,757, C>T. VCF-style: chr12-56083757-C-T. GRCh37 (hg19) VCF-style: chr12-56477541-C-T.
Other names: p.Pro30Leu; c.89C>T, p.Pro30Leu (NM_001005915.1); c.89C>T (NM_001982.3); short protein forms P30L.
Identifiers: ClinVar variation 806898 (VCV000806898.48), dbSNP rs56017157, ClinGen allele CA6621830.